The following is an entry in ClinVar:

ClinVar aggregate classification (germline): Likely pathogenic (1 of 4 stars; one submission).

Conditions:
Hereditary cancer-predisposing syndrome. Also called: Hereditary neoplastic syndrome; Neoplastic Syndromes, Hereditary; Tumor predisposition; Hereditary Cancer Syndrome. Identifiers: Orphanet 140162, MedGen C0027672, MeSH D009386, MONDO:0015356.

Submission:

Ambry Genetics
Classification: Likely pathogenic for Hereditary cancer-predisposing syndrome. Last evaluated: 2025-07-01. Review status: criteria provided, single submitter. Criteria: Ambry Variant Classification Scheme 2023. Collection method: clinical testing. Allele origin: germline.
Comment: The c.349-1G>A intronic variant results from a G to A substitution one nucleotide upstream from coding exon 3 of the PRKAR1A gene. This variant is considered to be rare based on population cohorts in the Genome Aggregation Database (gnomAD). This nucleotide position is highly conserved in available vertebrate species. In silico splice site analysis predicts that this alteration will weaken the native splice acceptor site and will result in the creation or strengthening of a novel splice acceptor site. Alterations that disrupt the canonical splice site are expected to cause aberrant splicing, resulting in an abnormal protein or a transcript that is subject to nonsense-mediated mRNA decay. Based on the supporting evidence, this alteration is likely pathogenic for Carney complex; however, the association of this alteration with acrodysostosis is unknown.

NM_002734.5(PRKAR1A):c.349-1G>A

Gene: PRKAR1A (protein kinase cAMP-dependent type I regulatory subunit alpha; plus strand). Cytogenetic location: 17q24.2.
Variant type: single nucleotide variant.
Coding change: c.349-1G>A on transcript NM_002734.5 (MANE Select); the canonical splice acceptor site of the intron before coding-DNA position 349, G replaced by A.
Molecular consequence: splice acceptor variant.
Genome position (GRCh38, 1-based): chr17:68,523,724, G>A. VCF-style: chr17-68523724-G-A. GRCh37 (hg19) VCF-style: chr17-66519865-G-A.
Other names: c.349-1G>A (NM_001278433.2, NM_001369389.1, NM_212471.3 and 4 more transcripts).
Identifiers: ClinVar variation 4144358 (VCV004144358.1).